The following is an entry in ClinVar:

ClinVar aggregate classification (germline): Uncertain significance (1 of 4 stars; one submission).

Conditions:
Complex neurodevelopmental disorder. Identifiers: Orphanet 528084, MedGen C5568766, MONDO:0100038.

gnomAD v4.1: 1 of 1,614,176 alleles (0.000062%); highest among the groups gnomAD compares: Non-Finnish European, 0.000085%; no homozygotes.

Submission:

Dasa
Classification: Uncertain significance for Complex neurodevelopmental disorder. Last evaluated: 2025-12-05. Review status: criteria provided, single submitter. Criteria: DASA Assertion Criteria. Collection method: clinical testing. Allele origin: germline.
Comment: NM_001332.4(CTNND2):c.2758G>T (p.Ala920Ser) is a missense variant that results in the substitution of alanine with serine. This variant is rare in population databases. The currently available literature and clinical evidence are not sufficient to establish a definitive association between this variant and the reported condition. Therefore, this variant is classified as a variant of uncertain significance.

NM_001332.4(CTNND2):c.2758G>T (p.Ala920Ser)

Gene: CTNND2 (catenin delta 2; minus strand). Cytogenetic location: 5p15.2.
Variant type: single nucleotide variant.
Coding change: c.2758G>T on transcript NM_001332.4 (MANE Select); coding-DNA position 2758, G replaced by T.
Protein change: p.Ala920Ser; replaces alanine 920 with serine.
Molecular consequence: missense variant. On other transcripts: non-coding transcript variant (1).
Genome position (GRCh38, 1-based): chr5:11,082,726, C>A on the plus strand (G>T on the coding strand, the complement: CTNND2 is on the minus strand). VCF-style: chr5-11082726-C-A. GRCh37 (hg19) VCF-style: chr5-11082838-C-A.
Other names: c.2485G>T, p.Ala829Ser (NM_001288715.1); c.1747G>T, p.Ala583Ser (NM_001288716.1); c.1459G>T, p.Ala487Ser (NM_001288717.2); c.1822G>T, p.Ala608Ser (NM_001364128.2); short protein forms A487S, A583S, A608S, A829S, A920S.
Identifiers: ClinVar variation 4881101 (VCV004881101.2).